The following is an entry in ClinVar:

NM_006892.4(DNMT3B):c.446G>A (p.Arg149Gln)

Gene: DNMT3B (DNA methyltransferase 3 beta; plus strand). Cytogenetic location: 20q11.21.
Variant type: single nucleotide variant.
Coding change: c.446G>A on transcript NM_006892.4 (MANE Select); coding-DNA position 446, G replaced by A.
Protein change: p.Arg149Gln; replaces arginine 149 with glutamine.
Molecular consequence: missense variant.
Genome position (GRCh38, 1-based): chr20:32,787,243, G>A. VCF-style: chr20-32787243-G-A. GRCh37 (hg19) VCF-style: chr20-31375049-G-A.
Other names: c.320G>A, p.Arg107Gln (NM_001207055.2); c.218G>A, p.Arg73Gln (NM_001207056.2); c.446G>A, p.Arg149Gln (NM_175848.2, NM_175849.2); c.482G>A, p.Arg161Gln (NM_175850.3); short protein forms R73Q, R107Q, R149Q, R161Q.
Identifiers: ClinVar variation 1980212 (VCV001980212.2), dbSNP rs779571584, ClinGen allele CA9810219.
Genomic context (GRCh38, chr20:32,787,243, plus strand): 5'-CCGACATCCTTTGCTCTGGCCCAAACTATGTGTCCTTCTGTCCACAGTCCCTGAGACGGC[G>A]GGCAACAGCATCGGCAGGAACGCCATGGCCGTCCCCTCCCAGCTCTTACCTTACCATCGA-3'
Protein context (NP_008823.1, residues 139-159): EFPATRSLRR[Arg149Gln]ATASAGTPWP

ClinVar aggregate classification (germline): Uncertain significance. Review status: criteria provided, multiple submitters, no conflicts (2 of 4 stars). 2 submissions from 2 submitters: Uncertain significance (2). Last evaluated 2022-03-26.

Conditions:
Inborn genetic diseases. Identifiers: MedGen C0950123, MeSH D030342.
Centromeric instability of chromosomes 1,9 and 16 and immunodeficiency (ICF1). Also called: Immunodeficiency-centromeric instability-facial anomalies; CENTROMERIC INSTABILITY, IMMUNODEFICIENCY SYNDROME; IMMUNE DEFICIENCY, VARIABLE, WITH CENTROMERIC INSTABILITY OF CHROMOSOMES 1, 9, AND 16; IMMUNODEFICIENCY SYNDROME, VARIABLE. Identifiers: Orphanet 2268, MedGen C0398788, MONDO:0000133.

Allele frequency attached by ClinVar (database versions not stated): TOPMed below 0.00001; gnomAD 0.00001; ExAC 0.00002; gnomAD exomes 0.00002.

Submissions (2):

Labcorp Genetics (formerly Invitae), Labcorp
Classification: Uncertain significance for Centromeric instability of chromosomes 1,9 and 16 and immunodeficiency. Last evaluated: 2022-03-26. Review status: criteria provided, single submitter. Criteria: Invitae Variant Classification Sherloc (09022015). Collection method: clinical testing. Allele origin: germline.
Comment: This sequence change replaces arginine, which is basic and polar, with glutamine, which is neutral and polar, at codon 149 of the DNMT3B protein (p.Arg149Gln). This variant is present in population databases (rs779571584, gnomAD 0.006%). This variant has not been reported in the literature in individuals affected with DNMT3B-related conditions. Algorithms developed to predict the effect of missense changes on protein structure and function (SIFT, PolyPhen-2, Align-GVGD) all suggest that this variant is likely to be tolerated. In summary, the available evidence is currently insufficient to determine the role of this variant in disease. Therefore, it has been classified as a Variant of Uncertain Significance.

Ambry Genetics
Classification: Uncertain significance for Inborn genetic diseases. Last evaluated: 2021-03-26. Review status: criteria provided, single submitter. Criteria: Ambry Variant Classification Scheme 2023. Collection method: clinical testing. Allele origin: germline.
Comment: The c.446G>A (p.R149Q) alteration is located in exon 6 (coding exon 5) of the DNMT3B gene. This alteration results from a G to A substitution at nucleotide position 446, causing the arginine (R) at amino acid position 149 to be replaced by a glutamine (Q). The in silico prediction for the p.R149Q alteration is inconclusive. Based on insufficient or conflicting evidence, the clinical significance of this alteration remains unclear.